The following is an entry in ClinVar:

ClinVar aggregate classification (germline): Likely pathogenic. Review status: criteria provided, single submitter (1 of 4 stars). 2 submissions from 2 submitters: Likely pathogenic (1). 1 of the submissions does not count toward it. Last evaluated 2024-02-05.

Conditions:
Charcot-Marie-Tooth disease type 2. Also called: Charcot-Marie-Tooth type 2. Identifiers: Orphanet 64746, MedGen C0270914, MONDO:0018993.

Submissions (2):

Labcorp Genetics (formerly Invitae), Labcorp
Classification: Likely pathogenic for Charcot-Marie-Tooth disease type 2. Last evaluated: 2024-02-05. Review status: criteria provided, single submitter. Criteria: Invitae Variant Classification Sherloc (09022015). Collection method: clinical testing. Allele origin: germline.
Comment: This sequence change replaces aspartic acid, which is acidic and polar, with histidine, which is basic and polar, at codon 357 of the LMNA protein (p.Asp357His). This variant is not present in population databases (gnomAD no frequency). This missense change has been observed in individual(s) with clinical features of LMNA-related conditions (PMID: 18480576, 29237675, 30078822). ClinVar contains an entry for this variant (Variation ID: 66769). Advanced modeling of protein sequence and biophysical properties (such as structural, functional, and spatial information, amino acid conservation, physicochemical variation, residue mobility, and thermodynamic stability) performed at Invitae indicates that this missense variant is expected to disrupt LMNA protein function with a positive predictive value of 95%. Experimental studies have shown that this missense change affects LMNA function (PMID: 34862408). This variant disrupts the p.Asp357 amino acid residue in LMNA. Other variant(s) that disrupt this residue have been determined to be pathogenic (PMID: 18480576, 22224630, 26573435). This suggests that this residue is clinically significant, and that variants that disrupt this residue are likely to be disease-causing. In summary, the currently available evidence indicates that the variant is pathogenic, but additional data are needed to prove that conclusively. Therefore, this variant has been classified as Likely Pathogenic.

Epithelial Biology;  Institute of Medical Biology, Singapore
No classification provided. Review status: no classification provided. Collection method: not provided. Allele origin: not provided. Not counted in ClinVar's aggregate classification.

Literature cited by the submitters: PubMed 18480576 (cited by Labcorp Genetics (formerly Invitae), Labcorp); PubMed 29237675 (cited by Labcorp Genetics (formerly Invitae), Labcorp); PubMed 30078822 (cited by Labcorp Genetics (formerly Invitae), Labcorp); PubMed 34862408 (cited by Labcorp Genetics (formerly Invitae), Labcorp); PubMed 22224630 (cited by Labcorp Genetics (formerly Invitae), Labcorp); PubMed 26573435 (cited by Labcorp Genetics (formerly Invitae), Labcorp).

NM_170707.4(LMNA):c.1069G>C (p.Asp357His)

Gene: LMNA (lamin A/C; plus strand). Cytogenetic location: 1q22.
Variant type: single nucleotide variant.
Coding change: c.1069G>C on transcript NM_170707.4 (MANE Select); coding-DNA position 1069, G replaced by C.
Protein change: p.Asp357His; replaces aspartic acid 357 with histidine.
Molecular consequence: missense variant.
Genome position (GRCh38, 1-based): chr1:156,136,033, G>C. VCF-style: chr1-156136033-G-C. GRCh37 (hg19) VCF-style: chr1-156105824-G-C.
Other names: c.733G>C, p.Asp245His (NM_001257374.3); c.826G>C, p.Asp276His (NM_001282624.2); c.1069G>C, p.Asp357His (NM_001282625.2, NM_001282626.2, NM_005572.4 and 1 more transcripts); short protein forms D357H, D245H, D276H.
Identifiers: ClinVar variation 66769 (VCV000066769.10), dbSNP rs267607567, ClinGen allele CA016542.
Genomic context (GRCh38, chr1:156,136,033, plus strand): 5'-CTGCTGGCGGAAAAGGAGCGGGAGATGGCCGAGATGCGGGCAAGGATGCAGCAGCAGCTG[G>C]ACGAGTACCAGGAGCTTCTGGACATCAAGCTGGCCCTGGACATGGAGATCCACGCCTACC-3'
Protein context (NP_733821.1, residues 347-367): EMRARMQQQL[Asp357His]EYQELLDIKL